The following is an entry in ClinVar:

ClinVar aggregate classification (germline): Uncertain significance (0 of 4 stars; one submission).

Conditions:
FBN1-related disorder. Also called: FBN1-related disorders.

gnomAD v4.1: 2 of 1,614,184 alleles (0.00012%); highest among the groups gnomAD compares: Admixed American, 0.0017%; no homozygotes.

Submission:

PreventionGenetics, part of Exact Sciences
Classification: Uncertain significance for FBN1-related condition. Last evaluated: 2024-09-18. Review status: no assertion criteria provided. Collection method: clinical testing. Allele origin: germline.
Comment: The FBN1 c.965C>T variant is predicted to result in the amino acid substitution p.Ser322Phe. To our knowledge, this variant has not been reported in the literature. This variant is reported in 0.0033% of alleles in individuals of South Asian descent in gnomAD. At this time, the clinical significance of this variant is uncertain due to the absence of conclusive functional and genetic evidence.

NM_000138.5(FBN1):c.965C>T (p.Ser322Phe)

Gene: FBN1 (fibrillin 1; minus strand). Cytogenetic location: 15q21.1.
Variant type: single nucleotide variant.
Coding change: c.965C>T on transcript NM_000138.5 (MANE Select); coding-DNA position 965, C replaced by T.
Protein change: p.Ser322Phe; replaces serine 322 with phenylalanine.
Molecular consequence: missense variant.
Genome position (GRCh38, 1-based): chr15:48,526,153, G>A on the plus strand (C>T on the coding strand, the complement: FBN1 is on the minus strand). VCF-style: chr15-48526153-G-A. GRCh37 (hg19) VCF-style: chr15-48818350-G-A.
Other names: c.965C>T, p.Ser322Phe (NM_001406716.1); short protein forms S322F.
Identifiers: ClinVar variation 3347020 (VCV003347020.1).